The following is an entry in ClinVar:

NM_016580.4(PCDH12):c.838G>T (p.Glu280Ter)

Genes: PCDH12 (protocadherin 12; minus strand), RNF14 (ring finger protein 14; plus strand). Cytogenetic location: 5q31.3.
Variant type: single nucleotide variant.
Coding change: c.838G>T on transcript NM_016580.4 (MANE Select); coding-DNA position 838, G replaced by T.
Protein change: p.Glu280Ter; replaces glutamic acid 280 with a stop codon.
Molecular consequence: nonsense.
Genome position (GRCh38, 1-based): chr5:141,957,014, C>A on the plus strand (G>T on the coding strand, the complement: PCDH12 is on the minus strand). VCF-style: chr5-141957014-C-A. GRCh37 (hg19) VCF-style: chr5-141336579-C-A.
Other names: short protein forms E280*.
Identifiers: ClinVar variation 977136 (VCV000977136.1), dbSNP rs1753196023, ClinGen allele CA361590007.

ClinVar aggregate classification (germline): Uncertain significance (1 of 4 stars; one submission).

Conditions:
Diencephalic-mesencephalic junction dysplasia. Also called: Diencephalic-mesencephalic junction dysplasia syndrome. Identifiers: Orphanet 319192, MedGen C4707858, MONDO:0017868.

Submission:

Broad Center for Mendelian Genomics, Broad Institute of MIT and Harvard
Classification: Uncertain significance for Diencephalic-mesencephalic junction dysplasia. Last evaluated: 2020-05-28. Review status: criteria provided, single submitter. Criteria: ACMG Guidelines, 2015. Collection method: research. Allele origin: germline. Inheritance: Autosomal recessive inheritance.
Comment: This nonsense variant leads to a premature termination codon at position 280, which is predicted to lead to a truncated or absent protein. Loss of function of the PCDH12 gene is a moderately established disease mechanism in autosomal recessive diencephalic-mesencephalic junction dysplasia. The presence of this variant in an affected homozygote increases the likelihood that the p.Glu280Ter variant is pathogenic (PMID: 30178464). In summary, while there is some suspicion for a pathogenic role, the clinical significance of this variant is uncertain. ACMG/AMP Criteria applied: PM2, PVS1_Moderate, PM3_Supporting (Richards 2015).

Literature cited by the submitters: PubMed 30178464.